The following is an entry in ClinVar:

ClinVar aggregate classification (germline): Uncertain significance (1 of 4 stars; one submission).

Conditions:
Congenital disorder of deglycosylation (CDDG). Identifiers: MedGen C3808991, MONDO:0031376.

Submission:

Labcorp Genetics (formerly Invitae), Labcorp
Classification: Uncertain significance for Congenital disorder of deglycosylation. Last evaluated: 2023-05-08. Review status: criteria provided, single submitter. Criteria: Invitae Variant Classification Sherloc (09022015). Collection method: clinical testing. Allele origin: germline.
Comment: ClinVar contains an entry for this variant (Variation ID: 1002583). Advanced modeling of protein sequence and biophysical properties (such as structural, functional, and spatial information, amino acid conservation, physicochemical variation, residue mobility, and thermodynamic stability) performed at Invitae indicates that this missense variant is not expected to disrupt NGLY1 protein function. In summary, the available evidence is currently insufficient to determine the role of this variant in disease. Therefore, it has been classified as a Variant of Uncertain Significance. This variant has not been reported in the literature in individuals affected with NGLY1-related conditions. This sequence change replaces glutamine, which is neutral and polar, with arginine, which is basic and polar, at codon 180 of the NGLY1 protein (p.Gln180Arg). This variant is not present in population databases (gnomAD no frequency).

NM_018297.4(NGLY1):c.539A>G (p.Gln180Arg)

Gene: NGLY1 (N-glycanase 1; minus strand). Cytogenetic location: 3p24.2.
Variant type: single nucleotide variant.
Coding change: c.539A>G on transcript NM_018297.4 (MANE Select); coding-DNA position 539, A replaced by G.
Protein change: p.Gln180Arg; replaces glutamine 180 with arginine.
Molecular consequence: missense variant.
Genome position (GRCh38, 1-based): chr3:25,751,217, T>C on the plus strand (A>G on the coding strand, the complement: NGLY1 is on the minus strand). VCF-style: chr3-25751217-T-C. GRCh37 (hg19) VCF-style: chr3-25792708-T-C.
Other names: c.539A>G, p.Gln180Arg (NM_001145293.2, NM_001145295.2); c.413A>G, p.Gln138Arg (NM_001145294.2); short protein forms Q138R, Q180R.
Identifiers: ClinVar variation 1002583 (VCV001002583.5), dbSNP rs958601385, ClinGen allele CA351906227.